The following is an entry in ClinVar:

NM_001114748.2(TMEM240):c.288G>A (p.Leu96=)

Gene: TMEM240 (transmembrane protein 240; minus strand). Cytogenetic location: 1p36.33.
Variant type: single nucleotide variant.
Coding change: c.288G>A on transcript NM_001114748.2 (MANE Select); coding-DNA position 288, G replaced by A.
Protein change: p.Leu96=; no amino-acid change (leucine 96 retained).
Molecular consequence: synonymous variant.
Genome position (GRCh38, 1-based): chr1:1,535,674, C>T on the plus strand (G>A on the coding strand, the complement: TMEM240 is on the minus strand). VCF-style: chr1-1535674-C-T. GRCh37 (hg19) VCF-style: chr1-1471054-C-T.
Identifiers: ClinVar variation 2065075 (VCV002065075.29), dbSNP rs769114802, ClinGen allele CA526685.
Genomic context (GRCh38, chr1:1,535,674, plus strand): 5'-GCGCACGGCGCAGTGCAGGACGCCGTCCATCCACACCAGGAACCAGCTGATGCAAAAGCC[C>T]AGCAGCAGCCCCAGCATGAGGTCGATCTCCTGCTTGGTCACACTGTCCGTCACAAAGTAG-3'
Protein context (NP_001108220.1, residues 86-106): QEIDLMLGLL[Leu96=]GFCISWFLVW

ClinVar aggregate classification (germline): Benign/Likely benign. Review status: criteria provided, multiple submitters, no conflicts (2 of 4 stars). 3 submissions from 3 submitters: Benign (1); Likely benign (2). Last evaluated 2025-09-23.

Allele frequency attached by ClinVar (database versions not stated): ExAC 0.00015; gnomAD 0.00044; TOPMed 0.00046; gnomAD exomes 0.00081.
gnomAD v4.1: 1,230 of 1,550,194 alleles (0.079%); highest among the groups gnomAD compares: Non-Finnish European, 0.099%; 2 homozygotes.

Submissions (3):

Labcorp Genetics (formerly Invitae), Labcorp
Classification: Benign. Last evaluated: 2025-09-23. Review status: criteria provided, single submitter. Criteria: Invitae Variant Classification Sherloc (09022015). Collection method: clinical testing. Allele origin: germline.

Blueprint Genetics
Classification: Likely benign. Last evaluated: 2024-07-18. Review status: criteria provided, single submitter. Criteria: ACMG Guidelines, 2015. Collection method: clinical testing. Allele origin: germline.

CeGaT Center for Human Genetics Tuebingen
Classification: Likely benign. Last evaluated: 2023-10-01. Review status: criteria provided, single submitter. Criteria: CeGaT Center For Human Genetics Tuebingen Variant Classification Criteria Version 2. Collection method: clinical testing. Allele origin: germline. Affected: yes. Observed: 1 variant allele.
Comment: TMEM240: BP4, BP7